The following is an entry in ClinVar:

ClinVar aggregate classification (germline): Uncertain significance. Review status: criteria provided, multiple submitters, no conflicts (2 of 4 stars). 3 submissions from 3 submitters: Uncertain significance (3). Last evaluated 2025-09-09.

Conditions:
Hereditary cancer-predisposing syndrome. Also called: Neoplastic Syndromes, Hereditary; Hereditary Cancer Syndrome; Hereditary neoplastic syndrome; Tumor predisposition. Identifiers: Orphanet 140162, MedGen C0027672, MeSH D009386, MONDO:0015356.

Allele frequency attached by ClinVar (database versions not stated): gnomAD exomes below 0.00001 and 0.00001; TOPMed below 0.00001; ExAC 0.00001; gnomAD 0.00001.

Submissions (3):

Labcorp Genetics (formerly Invitae), Labcorp
Classification: Uncertain significance. Last evaluated: 2025-09-09. Review status: criteria provided, single submitter. Criteria: Invitae Variant Classification Sherloc (09022015). Collection method: clinical testing. Allele origin: germline.
Comment: This sequence change replaces alanine, which is neutral and non-polar, with threonine, which is neutral and polar, at codon 566 of the POLE protein (p.Ala566Thr). This variant is present in population databases (rs773813430, gnomAD 0.0009%). This variant has not been reported in the literature in individuals affected with POLE-related conditions. ClinVar contains an entry for this variant (Variation ID: 540711). Invitae Evidence Modeling of protein sequence and biophysical properties (such as structural, functional, and spatial information, amino acid conservation, physicochemical variation, residue mobility, and thermodynamic stability) indicates that this missense variant is not expected to disrupt POLE protein function with a negative predictive value of 80%. In summary, the available evidence is currently insufficient to determine the role of this variant in disease. Therefore, it has been classified as a Variant of Uncertain Significance.

Ambry Genetics
Classification: Uncertain significance for Hereditary cancer-predisposing syndrome. Last evaluated: 2025-03-14. Review status: criteria provided, single submitter. Criteria: Ambry Variant Classification Scheme 2023. Collection method: clinical testing. Allele origin: germline.
Comment: The p.A566T variant (also known as c.1696G>A), located in coding exon 16 of the POLE gene, results from a G to A substitution at nucleotide position 1696. The alanine at codon 566 is replaced by threonine, an amino acid with similar properties. This amino acid position is conserved. In addition, the in silico prediction for this alteration is inconclusive. Based on the available evidence, the clinical significance of this variant remains unclear.

Center for Genomic Medicine, Rigshospitalet, Copenhagen University Hospital
Classification: Uncertain significance. Last evaluated: 2025-03-04. Review status: criteria provided, single submitter. Criteria: ACMG Guidelines, 2015. Collection method: clinical testing. Allele origin: germline.

NM_006231.4(POLE):c.1696G>A (p.Ala566Thr)

Gene: POLE (DNA polymerase epsilon, catalytic subunit; minus strand). Cytogenetic location: 12q24.33.
Variant type: single nucleotide variant.
Coding change: c.1696G>A on transcript NM_006231.4 (MANE Select); coding-DNA position 1696, G replaced by A.
Protein change: p.Ala566Thr; replaces alanine 566 with threonine.
Molecular consequence: missense variant.
Genome position (GRCh38, 1-based): chr12:132,672,313, C>T on the plus strand (G>A on the coding strand, the complement: POLE is on the minus strand). VCF-style: chr12-132672313-C-T. GRCh37 (hg19) VCF-style: chr12-133248899-C-T.
Other names: c.1696G>A (NM_006231.2); short protein forms A566T.
Identifiers: ClinVar variation 540711 (VCV000540711.12), dbSNP rs773813430, ClinGen allele CA6893853.
Genomic context (GRCh38, chr12:132,672,313, plus strand): 5'-CCTCTTCCTCAAGGGCGTGGCGCAAGGTCTTCTCAACCCGCTGCAGCAGGAAGTCAAAGG[C>T]GGCAGGATTCTAGCACAACAGTGAGACGACGGGGTCAGAGGGGAAACACACCCACACTAG-3'
Protein context (NP_006222.2, residues 556-576): IPCRFRMNPA[Ala566Thr]FDFLLQRVEK